The following is an entry in ClinVar:

ClinVar aggregate classification (germline): Uncertain significance (1 of 4 stars; one submission).

Conditions:
Gorlin syndrome. Also called: Nevoid Basal Cell Carcinoma Syndrome; Basal cell nevus syndrome. Identifiers: Orphanet 377, MedGen C0004779, MONDO:0007187.

gnomAD v4.1: 1 of 1,614,232 alleles (0.000062%); highest among the groups gnomAD compares: Non-Finnish European, 0.000085%; no homozygotes.

Submission:

Labcorp Genetics (formerly Invitae), Labcorp
Classification: Uncertain significance for Gorlin syndrome. Last evaluated: 2023-12-27. Review status: criteria provided, single submitter. Criteria: Invitae Variant Classification Sherloc (09022015). Collection method: clinical testing. Allele origin: germline.
Comment: This sequence change replaces lysine, which is basic and polar, with asparagine, which is neutral and polar, at codon 874 of the PTCH1 protein (p.Lys874Asn). This variant is not present in population databases (gnomAD no frequency). This variant has not been reported in the literature in individuals affected with PTCH1-related conditions. Advanced modeling of protein sequence and biophysical properties (such as structural, functional, and spatial information, amino acid conservation, physicochemical variation, residue mobility, and thermodynamic stability) performed at Invitae indicates that this missense variant is not expected to disrupt PTCH1 protein function with a negative predictive value of 95%. In summary, the available evidence is currently insufficient to determine the role of this variant in disease. Therefore, it has been classified as a Variant of Uncertain Significance.

NM_000264.5(PTCH1):c.2622G>T (p.Lys874Asn)

Gene: PTCH1 (patched 1; minus strand). Cytogenetic location: 9q22.32.
Variant type: single nucleotide variant.
Coding change: c.2622G>T on transcript NM_000264.5 (MANE Select); coding-DNA position 2622, G replaced by T.
Protein change: p.Lys874Asn; replaces lysine 874 with asparagine.
Molecular consequence: missense variant. On other transcripts: non-coding transcript variant (1).
Genome position (GRCh38, 1-based): chr9:95,461,937, C>A on the plus strand (G>T on the coding strand, the complement: PTCH1 is on the minus strand). VCF-style: chr9-95461937-C-A. GRCh37 (hg19) VCF-style: chr9-98224219-C-A.
Other names: c.2424G>T, p.Lys808Asn (NM_001083602.3); c.2619G>T, p.Lys873Asn (NM_001083603.3); c.2169G>T, p.Lys723Asn (NM_001083604.3, NM_001083605.3, NM_001083606.3 and 1 more transcripts); c.2466G>T, p.Lys822Asn (NM_001354918.2); short protein forms K822N, K723N, K873N, K874N, K808N.
Identifiers: ClinVar variation 2988423 (VCV002988423.3), dbSNP rs747560273, ClinGen allele CA374113450.
Genomic context (GRCh38, chr9:95,461,937, plus strand): 5'-ATCGCGGCTGCCGGTTTGCACCAGGAGTTTGTAGGCAAGGACTCCATCGTCTGATCCATT[C>A]TTGTAATTGTTTGGCATGATTTTCCCGGTTTCCCAGTCACTGTCAAATGCATCCTGAAGT-3'
Protein context (NP_000255.2, residues 864-884): ETGKIMPNNY[Lys874Asn]NGSDDGVLAY